The following is an entry in ClinVar:

NM_001165963.4(SCN1A):c.3379T>G (p.Leu1127Val)

Genes: SCN1A (sodium voltage-gated channel alpha subunit 1; minus strand), LOC102724058 (uncharacterized LOC102724058; plus strand). Cytogenetic location: 2q24.3.
Variant type: single nucleotide variant.
Coding change: c.3379T>G on transcript NM_001165963.4 (MANE Select); coding-DNA position 3379, T replaced by G.
Protein change: p.Leu1127Val; replaces leucine 1127 with valine.
Molecular consequence: missense variant. On other transcripts: non-coding transcript variant (2).
Genome position (GRCh38, 1-based): chr2:166,036,098, A>C on the plus strand (T>G on the coding strand, the complement: SCN1A is on the minus strand). VCF-style: chr2-166036098-A-C. GRCh37 (hg19) VCF-style: chr2-166892608-A-C.
Other names: c.3295T>G, p.Leu1099Val (NM_001165964.3, NM_001353957.2, NM_001353958.2); c.3379T>G, p.Leu1127Val (NM_001202435.3, NM_001353948.2); c.3346T>G, p.Leu1116Val (NM_001353949.2, NM_001353950.2, NM_001353951.2 and 2 more transcripts); c.3343T>G, p.Leu1115Val (NM_001353954.2, NM_001353955.2); c.3292T>G, p.Leu1098Val (NM_001353960.2); c.937T>G, p.Leu313Val (NM_001353961.2); short protein forms L1098V, L1099V, L1115V, L1116V, L1127V, L313V.
Identifiers: ClinVar variation 1303103 (VCV001303103.2), dbSNP rs1481310706, ClinGen allele CA349059185.
Genomic context (GRCh38, chr2:166,036,098, plus strand): 5'-AGAATCTTACCTCTTTGCTTTCTTCCAGATCCGATTCACTACTAAAGTCTTCCGTGTTTA[A>C]ATTTTCAAAGTCAGATTCTCCTACAGCAATTGGTACAGTCACAGTAAGACTGGGGTTGTT-3'
Protein context (NP_001159435.1, residues 1117-1137): IAVGESDFEN[Leu1127Val]NTEDFSSESD

ClinVar aggregate classification (germline): Uncertain significance (1 of 4 stars; one submission).

Allele frequency attached by ClinVar (database versions not stated): gnomAD exomes below 0.00001.
gnomAD v4.1: 1 of 1,613,928 alleles (0.000062%); no homozygotes.

Submission:

GeneDx
Classification: Uncertain significance. Last evaluated: 2019-06-10. Review status: criteria provided, single submitter. Criteria: GeneDx Variant Classification Process June 2021. Collection method: clinical testing. Allele origin: germline. Affected: yes.
Comment: Not observed at a significant frequency in large population cohorts (Lek et al., 2016); The majority of missense variants in this gene are considered pathogenic (Stenson et al., 2014); In silico analysis, which includes protein predictors and evolutionary conservation, supports that this variant does not alter protein structure/function; Has not been previously published as pathogenic or benign to our knowledge; Predicted to be located in the cytoplasmic loop between the second and third homologous domains